The following is an entry in ClinVar:

NM_018249.6(CDK5RAP2):c.4546G>T (p.Glu1516Ter)

Gene: CDK5RAP2 (CDK5 regulatory subunit associated protein 2; minus strand). Cytogenetic location: 9q33.2.
Variant type: single nucleotide variant.
Coding change: c.4546G>T on transcript NM_018249.6 (MANE Select); coding-DNA position 4546, G replaced by T.
Protein change: p.Glu1516Ter; replaces glutamic acid 1516 with a stop codon.
Molecular consequence: nonsense. On other transcripts: non-coding transcript variant (5).
Genome position (GRCh38, 1-based): chr9:120,409,185, C>A on the plus strand (G>T on the coding strand, the complement: CDK5RAP2 is on the minus strand). VCF-style: chr9-120409185-C-A. GRCh37 (hg19) VCF-style: chr9-123171463-C-A.
Other names: c.4546G>T, p.Glu1516Ter (NM_001011649.3); c.3856G>T, p.Glu1286Ter (NM_001272039.2); short protein forms E1516*, E1286*.
Identifiers: ClinVar variation 91406 (VCV000091406.50), dbSNP rs374351172, ClinGen allele CA266227.

ClinVar aggregate classification (germline): Pathogenic. Review status: criteria provided, multiple submitters, no conflicts (2 of 4 stars). 8 submissions from 8 submitters: Pathogenic (6). 2 of the submissions do not count toward it. Last evaluated 2026-08-13.

Conditions:
CDK5RAP2-related disorder. Also called: CDK5RAP2-related condition.
Microcephaly 3, primary, autosomal recessive. Identifiers: Orphanet 2512, MedGen C1858108, MONDO:0011488, OMIM 604804.

Allele frequency attached by ClinVar (database versions not stated): gnomAD 0.00001; ExAC 0.00002; gnomAD exomes 0.00003; TOPMed 0.00003; ESP Exome Variant Server 0.00008.
gnomAD v4.1: 52 of 1,613,660 alleles (0.0032%); highest among the groups gnomAD compares: Non-Finnish European, 0.0042%; no homozygotes.

Submissions (8):

GeneDx
Classification: Pathogenic. Last evaluated: 2026-08-13. Review status: criteria provided, single submitter. Criteria: GeneDx Variant Classification Process June 2021. Collection method: clinical testing. Allele origin: germline.
Comment: Nonsense variant predicted to result in protein truncation or nonsense mediated decay in a gene for which loss of function is a known mechanism of disease; Not observed at significant frequency in large population cohorts (gnomAD); This variant is associated with the following publications: (PMID: 30086807, 26436113, 31589614, 23995685, 30842647, 32015000, 33458610)

Labcorp Genetics (formerly Invitae), Labcorp
Classification: Pathogenic. Last evaluated: 2026-01-18. Review status: criteria provided, single submitter. Criteria: Invitae Variant Classification Sherloc (09022015). Collection method: clinical testing. Allele origin: germline.
Comment: This sequence change creates a premature translational stop signal (p.Glu1516*) in the CDK5RAP2 gene. It is expected to result in an absent or disrupted protein product. Loss-of-function variants in CDK5RAP2 are known to be pathogenic (PMID: 15793586, 20460369, 26436113). This variant is present in population databases (rs374351172, gnomAD 0.005%). This premature translational stop signal has been observed in individual(s) with clinical features of CDK5RAP2-related conditions (PMID: 30842647). ClinVar contains an entry for this variant (Variation ID: 91406). For these reasons, this variant has been classified as Pathogenic.

Daryl Scott Lab, Baylor College of Medicine
Classification: Pathogenic for Microcephaly 3, primary, autosomal recessive. Last evaluated: 2025-08-25. Review status: criteria provided, single submitter. Criteria: ACMG Guidelines, 2015. Collection method: clinical testing. Allele origin: maternal. Affected: yes. Observed: 1 heterozygote.
Comment: PVS1,PM2,PP5

Dasa
Classification: Pathogenic. Last evaluated: 2025-05-19. Review status: criteria provided, single submitter. Criteria: DASA Assertion Criteria. Collection method: clinical testing. Allele origin: germline.
Comment: NM_018249.6(CDK5RAP2):c.4546G>T (p.Glu1516*) introduces a premature termination codon predicted to result in loss of normal protein function. Loss-of-function is an established mechanism of disease for this gene. This variant has been observed in affected individuals with related phenotype in a genotype context consistent with recessive disease (PMID: 23995685; PMID: 32015000; PMID: 30842647). This variant has been recurrently observed in individuals with related phenotype (PMID: 23995685; PMID: 32015000; PMID: 30842647). The variant is present at low frequency in population datasets. Based on the available data, this variant is classified as pathogenic.

CeGaT Center for Human Genetics Tuebingen
Classification: Pathogenic. Last evaluated: 2020-12-01. Review status: criteria provided, single submitter. Criteria: CeGaT Center For Human Genetics Tuebingen Variant Classification Criteria Version 2. Collection method: clinical testing. Allele origin: germline. Affected: yes. Observed: 1 variant allele.

Centre for Mendelian Genomics, University Medical Centre Ljubljana
Classification: Pathogenic for Microcephaly 3, primary, autosomal recessive. Last evaluated: 2019-08-22. Review status: criteria provided, single submitter. Criteria: ACMG Guidelines, 2015. Collection method: clinical testing. Allele origin: unknown. Affected: yes.
Comment: This variant was classified as: Pathogenic. The following ACMG criteria were applied in classifying this variant: PVS1,PM2,PP5.

PreventionGenetics, part of Exact Sciences
Classification: Pathogenic for CDK5RAP2-related condition. Last evaluated: 2023-12-15. Review status: no assertion criteria provided. Collection method: clinical testing. Allele origin: germline. Not counted in ClinVar's aggregate classification.
Comment: The CDK5RAP2 c.4546G>T variant is predicted to result in premature protein termination (p.Glu1516*). This variant has been reported in individuals with autosomal recessive microcephaly (Boonsawat et al. 2019. PubMed ID: 30842647; Nasser et al. 2020. PubMed ID: 32015000). This variant is reported in 0.0053% of alleles in individuals of European (Non-Finnish) descent in gnomAD. Nonsense variants in CDK5RAP2 are expected to be pathogenic. Given the evidence, we interpret c.4546G>T (p.Glu1516*) as pathogenic.

OMIM
Classification: Pathogenic for MICROCEPHALY 3, PRIMARY, AUTOSOMAL RECESSIVE. Last evaluated: 2013-09-19. Review status: no assertion criteria provided. Collection method: literature only. Allele origin: germline. Not counted in ClinVar's aggregate classification.

Literature cited by the submitters: PubMed 15793586 (cited by Labcorp Genetics (formerly Invitae), Labcorp); PubMed 20460369 (cited by Labcorp Genetics (formerly Invitae), Labcorp); PubMed 26436113 (cited by Labcorp Genetics (formerly Invitae), Labcorp); PubMed 30842647 (cited by Labcorp Genetics (formerly Invitae), Labcorp and Dasa); PubMed 23995685 (cited by Dasa and OMIM); PubMed 32015000 (cited by Dasa).